The following is an entry in ClinVar:

ClinVar aggregate classification (germline): Uncertain significance (1 of 4 stars; one submission).

Conditions:
Bardet-Biedl syndrome (BBS). Identifiers: Orphanet 110, MedGen C0752166, MONDO:0015229.

Allele frequency attached by ClinVar (database versions not stated): gnomAD 0.00001; TOPMed below 0.00001.
gnomAD v4.1: 1 of 1,614,034 alleles (0.000062%); highest among the groups gnomAD compares: East Asian, 0.0022%; no homozygotes.

Submission:

Labcorp Genetics (formerly Invitae), Labcorp
Classification: Uncertain significance for Bardet-Biedl syndrome. Last evaluated: 2020-12-16. Review status: criteria provided, single submitter. Criteria: Invitae Variant Classification Sherloc (09022015). Collection method: clinical testing. Allele origin: germline.
Comment: In summary, the available evidence is currently insufficient to determine the role of this variant in disease. Therefore, it has been classified as a Variant of Uncertain Significance. Algorithms developed to predict the effect of missense changes on protein structure and function (SIFT, PolyPhen-2, Align-GVGD) all suggest that this variant is likely to be disruptive, but these predictions have not been confirmed by published functional studies and their clinical significance is uncertain. This variant has not been reported in the literature in individuals with BBS1-related conditions. This variant is not present in population databases (ExAC no frequency). This sequence change replaces glycine with aspartic acid at codon 496 of the BBS1 protein (p.Gly496Asp). The glycine residue is highly conserved and there is a moderate physicochemical difference between glycine and aspartic acid.

NM_024649.5(BBS1):c.1487G>A (p.Gly496Asp)

Genes: BBS1 (Bardet-Biedl syndrome 1; plus strand), ZDHHC24 (zDHHC palmitoyltransferase 24; minus strand). Cytogenetic location: 11q13.2.
Variant type: single nucleotide variant.
Coding change: c.1487G>A on transcript NM_024649.5 (MANE Select); coding-DNA position 1487, G replaced by A.
Protein change: p.Gly496Asp; replaces glycine 496 with aspartic acid.
Molecular consequence: missense variant. On other transcripts: intron variant (1).
Genome position (GRCh38, 1-based): chr11:66,530,907, G>A. VCF-style: chr11-66530907-G-A. GRCh37 (hg19) VCF-style: chr11-66298378-G-A.
Other names: c.560-1419C>T (NM_001348571.2); short protein forms G496D.
Identifiers: ClinVar variation 1462057 (VCV001462057.8), dbSNP rs1306126953, ClinGen allele CA381425010.
Genomic context (GRCh38, chr11:66,530,907, plus strand): 5'-CAAGGCTGCCAGGTCCTAAGGGCTTTCTCCACCCACCCTCTCCATAGGTTCAGGGCCTTG[G>A]CCCCACCTTTAAGCTCACACTTCACCTGCAGAACACCTCAACAACCCGTCCTGTCCTGGG-3'
Protein context (NP_078925.3, residues 486-506): LKLHAVVQGL[Gly496Asp]PTFKLTLHLQ